The following is an entry in ClinVar:

ClinVar aggregate classification (germline): Uncertain significance (1 of 4 stars; one submission).

Conditions:
Developmental and epileptic encephalopathy 94 (DEE94). Also called: Epileptic encephalopathy, childhood-onset; CHD2-Related Neurodevelopmental Disorders. Identifiers: Orphanet 1942, Orphanet 2382, MedGen C3809278, MONDO:0014150, OMIM 615369.

Allele frequency attached by ClinVar (database versions not stated): gnomAD exomes below 0.00001.
gnomAD v4.1: 2 of 1,613,168 alleles (0.00012%); highest among the groups gnomAD compares: Non-Finnish European, 0.00017%; no homozygotes.

Submission:

Labcorp Genetics (formerly Invitae), Labcorp
Classification: Uncertain significance for Developmental and epileptic encephalopathy 94. Last evaluated: 2020-09-16. Review status: criteria provided, single submitter. Criteria: Invitae Variant Classification Sherloc (09022015). Collection method: clinical testing. Allele origin: germline.
Comment: This variant has not been reported in the literature in individuals with CHD2-related conditions. In summary, the available evidence is currently insufficient to determine the role of this variant in disease. Therefore, it has been classified as a Variant of Uncertain Significance. Algorithms developed to predict the effect of missense changes on protein structure and function are either unavailable or do not agree on the potential impact of this missense change (SIFT: "Deleterious"; PolyPhen-2: "Possibly Damaging"; Align-GVGD: "Class C0"). This variant is not present in population databases (ExAC no frequency). This sequence change replaces lysine with threonine at codon 1437 of the CHD2 protein (p.Lys1437Thr). The lysine residue is moderately conserved and there is a moderate physicochemical difference between lysine and threonine.

NM_001271.4(CHD2):c.4310A>C (p.Lys1437Thr)

Gene: CHD2 (chromodomain helicase DNA binding protein 2; plus strand). Cytogenetic location: 15q26.1.
Variant type: single nucleotide variant.
Coding change: c.4310A>C on transcript NM_001271.4 (MANE Select); coding-DNA position 4310, A replaced by C.
Protein change: p.Lys1437Thr; replaces lysine 1437 with threonine.
Molecular consequence: missense variant.
Genome position (GRCh38, 1-based): chr15:93,004,648, A>C. VCF-style: chr15-93004648-A-C. GRCh37 (hg19) VCF-style: chr15-93547878-A-C.
Other names: short protein forms K1437T.
Identifiers: ClinVar variation 1038180 (VCV001038180.9), dbSNP rs1308086750, ClinGen allele CA393903199.